The following is an entry in ClinVar:

ClinVar aggregate classification (germline): Uncertain significance (1 of 4 stars; one submission).

Conditions:
Epileptic encephalopathy. Identifiers: MedGen C0543888, HP:0200134.

Allele frequency attached by ClinVar (database versions not stated): gnomAD exomes below 0.00001.
gnomAD v4.1: 1 of 1,614,008 alleles (0.000062%); no homozygotes.

Submission:

Labcorp Genetics (formerly Invitae), Labcorp
Classification: Uncertain significance for Epileptic encephalopathy. Last evaluated: 2017-06-08. Review status: criteria provided, single submitter. Criteria: Invitae Variant Classification Sherloc (09022015). Collection method: clinical testing. Allele origin: germline.
Comment: In summary, this variant has uncertain impact on RYR3 function. The available evidence is currently insufficient to determine its role in disease. Therefore, it has been classified as a Variant of Uncertain Significance. Algorithms developed to predict the effect of missense changes on protein structure and function do not agree on the potential impact of this missense change (SIFT: "Deleterious"; PolyPhen-2: "Probably Damaging"; Align-GVGD: "Class C0"). This variant has not been reported in the literature in individuals with an RYR3-related disease. This variant is not present in population databases (ExAC no frequency). This sequence change replaces isoleucine with valine at codon 4032 of the RYR3 protein (p.Ile4032Val). The isoleucine residue is highly conserved and there is a small physicochemical difference between isoleucine and valine.

NM_001036.6(RYR3):c.12094A>G (p.Ile4032Val)

Gene: RYR3 (ryanodine receptor 3; plus strand). Cytogenetic location: 15q14.
Variant type: single nucleotide variant.
Coding change: c.12094A>G on transcript NM_001036.6 (MANE Select); coding-DNA position 12094, A replaced by G.
Protein change: p.Ile4032Val; replaces isoleucine 4032 with valine.
Molecular consequence: missense variant.
Genome position (GRCh38, 1-based): chr15:33,838,074, A>G. VCF-style: chr15-33838074-A-G. GRCh37 (hg19) VCF-style: chr15-34130275-A-G.
Other names: c.12079A>G, p.Ile4027Val (NM_001243996.4); short protein forms I4032V, I4027V.
Identifiers: ClinVar variation 461849 (VCV000461849.8), dbSNP rs1555485015, ClinGen allele CA391593766.